The following is an entry in ClinVar:

ClinVar aggregate classification (germline): Uncertain significance (1 of 4 stars; one submission).

Allele frequency attached by ClinVar (database versions not stated): TOPMed 0.00002; gnomAD 0.00001 and 0.00002; gnomAD exomes 0.00001; ExAC 0.00002.
gnomAD v4.1: 15 of 1,613,994 alleles (0.00093%); highest among the groups gnomAD compares: African/African-American, 0.004%; no homozygotes.

Submission:

Labcorp Genetics (formerly Invitae), Labcorp
Classification: Uncertain significance for Combined immunodeficiency due to DOCK8 deficiency. Last evaluated: 2024-02-04. Review status: criteria provided, single submitter. Criteria: Invitae Variant Classification Sherloc (09022015). Collection method: clinical testing. Allele origin: germline.
Comment: This sequence change replaces alanine, which is neutral and non-polar, with threonine, which is neutral and polar, at codon 909 of the DOCK8 protein (p.Ala909Thr). This variant is present in population databases (rs750025996, gnomAD 0.002%). This variant has not been reported in the literature in individuals affected with DOCK8-related conditions. ClinVar contains an entry for this variant (Variation ID: 1041115). Advanced modeling of protein sequence and biophysical properties (such as structural, functional, and spatial information, amino acid conservation, physicochemical variation, residue mobility, and thermodynamic stability) performed at Invitae indicates that this missense variant is not expected to disrupt DOCK8 protein function with a negative predictive value of 80%. In summary, the available evidence is currently insufficient to determine the role of this variant in disease. Therefore, it has been classified as a Variant of Uncertain Significance.

NM_203447.4(DOCK8):c.2725G>A (p.Ala909Thr)

Gene: DOCK8 (dedicator of cytokinesis 8; plus strand). Cytogenetic location: 9p24.3.
Variant type: single nucleotide variant.
Coding change: c.2725G>A on transcript NM_203447.4 (MANE Select); coding-DNA position 2725, G replaced by A.
Protein change: p.Ala909Thr; replaces alanine 909 with threonine.
Molecular consequence: missense variant.
Genome position (GRCh38, 1-based): chr9:382,632, G>A. VCF-style: chr9-382632-G-A. GRCh37 (hg19) VCF-style: chr9-382632-G-A.
Other names: c.2521G>A, p.Ala841Thr (NM_001190458.2, NM_001193536.2); short protein forms A909T, A841T.
Identifiers: ClinVar variation 1041115 (VCV001041115.8), dbSNP rs750025996, ClinGen allele CA4958295.